The following is an entry in ClinVar:

ClinVar aggregate classification (germline): Uncertain significance. Review status: criteria provided, multiple submitters, no conflicts (2 of 4 stars). 2 submissions from 2 submitters: Uncertain significance (2). Last evaluated 2025-03-15.

Conditions:
Inborn genetic diseases. Identifiers: MedGen C0950123, MeSH D030342.
Fanconi anemia (FA). Also called: Fanconi's anemia. Identifiers: Orphanet 84, MedGen C0015625, MeSH D005199, MONDO:0019391.

Allele frequency attached by ClinVar (database versions not stated): gnomAD exomes below 0.00001; ExAC 0.00001; TOPMed 0.00002; ESP Exome Variant Server 0.00023.
gnomAD v4.1: 1 of 1,612,952 alleles (0.000062%); highest among the groups gnomAD compares: Non-Finnish European, 0.000085%; no homozygotes.

Submissions (2):

Ambry Genetics
Classification: Uncertain significance for Inborn genetic diseases. Last evaluated: 2025-03-15. Review status: criteria provided, single submitter. Criteria: Ambry Variant Classification Scheme 2023. Collection method: clinical testing. Allele origin: germline.
Comment: The p.D1222H variant (also known as c.3664G>C), located in coding exon 14 of the FANCM gene, results from a G to C substitution at nucleotide position 3664. The aspartic acid at codon 1222 is replaced by histidine, an amino acid with similar properties. This amino acid position is conserved. In addition, this alteration is predicted to be tolerated by in silico analysis. Based on the available evidence, the clinical significance of this variant remains unclear.

Labcorp Genetics (formerly Invitae), Labcorp
Classification: Uncertain significance for Fanconi anemia. Last evaluated: 2023-07-28. Review status: criteria provided, single submitter. Criteria: Invitae Variant Classification Sherloc (09022015). Collection method: clinical testing. Allele origin: germline.
Comment: An algorithm developed to predict the effect of missense changes on protein structure and function (PolyPhen-2) suggests that this variant is likely to be tolerated. In summary, the available evidence is currently insufficient to determine the role of this variant in disease. Therefore, it has been classified as a Variant of Uncertain Significance. ClinVar contains an entry for this variant (Variation ID: 1003329). This variant has not been reported in the literature in individuals affected with FANCM-related conditions. This variant is present in population databases (rs145411480, gnomAD 0.002%). This sequence change replaces aspartic acid, which is acidic and polar, with histidine, which is basic and polar, at codon 1222 of the FANCM protein (p.Asp1222His).

NM_020937.4(FANCM):c.3664G>C (p.Asp1222His)

Gene: FANCM (FA complementation group M; plus strand). Cytogenetic location: 14q21.2.
Variant type: single nucleotide variant.
Coding change: c.3664G>C on transcript NM_020937.4 (MANE Select); coding-DNA position 3664, G replaced by C.
Protein change: p.Asp1222His; replaces aspartic acid 1222 with histidine.
Molecular consequence: missense variant.
Genome position (GRCh38, 1-based): chr14:45,176,418, G>C. VCF-style: chr14-45176418-G-C. GRCh37 (hg19) VCF-style: chr14-45645621-G-C.
Other names: c.3586G>C, p.Asp1196His (NM_001308133.2); c.3664G>C (NM_020937.2); short protein forms D1196H, D1222H.
Identifiers: ClinVar variation 1003329 (VCV001003329.10), dbSNP rs145411480, ClinGen allele CA7169551.